The following is an entry in ClinVar:

NM_021625.5(TRPV4):c.1912C>G (p.Pro638Ala)

Gene: TRPV4 (transient receptor potential cation channel subfamily V member 4; minus strand). Cytogenetic location: 12q24.11.
Variant type: single nucleotide variant.
Coding change: c.1912C>G on transcript NM_021625.5 (MANE Select); coding-DNA position 1912, C replaced by G.
Protein change: p.Pro638Ala; replaces proline 638 with alanine.
Molecular consequence: missense variant.
Genome position (GRCh38, 1-based): chr12:109,788,696, G>C on the plus strand (C>G on the coding strand, the complement: TRPV4 is on the minus strand). VCF-style: chr12-109788696-G-C. GRCh37 (hg19) VCF-style: chr12-110226501-G-C.
Other names: p.Pro638Ala; c.1771C>G, p.Pro591Ala (NM_001177428.2); c.1810C>G, p.Pro604Ala (NM_001177431.2); c.1591C>G, p.Pro531Ala (NM_001177433.2); c.1732C>G, p.Pro578Ala (NM_147204.3); short protein forms P604A, P638A, P531A, P578A, P591A.
Identifiers: ClinVar variation 234727 (VCV000234727.13), dbSNP rs760044422, ClinGen allele CA6780048.

ClinVar aggregate classification (germline): Conflicting classifications of pathogenicity. Review status: criteria provided, conflicting classifications (1 of 4 stars). 7 submissions from 7 submitters: Uncertain significance (5); Likely benign (2). Last evaluated 2026-03-25.

Conditions:
Inborn genetic diseases. Identifiers: MedGen C0950123, MeSH D030342.
Charcot-Marie-Tooth disease. Also called: Charcot-Marie-Tooth Neuropathy; Charcot-Marie-Tooth Hereditary Neuropathy. Identifiers: Orphanet 166, MedGen C0007959, MONDO:0015626.
Charcot-Marie-Tooth disease axonal type 2C (HMSN2C). Also called: CHARCOT-MARIE-TOOTH DISEASE, AXONAL, AUTOSOMAL DOMINANT, TYPE 2C; Charcot-Marie-Tooth Neuropathy Type 2C; Charcot-Marie-Tooth Disease Type 2, TRPV4-Related (CMT2C). Identifiers: Orphanet 99937, MedGen C1853710, MONDO:0011633, OMIM 606071.

Allele frequency attached by ClinVar (database versions not stated): ExAC 0.00002; gnomAD 0.00002 and 0.00003; TOPMed 0.00002; gnomAD exomes 0.00004 and 0.00007.
gnomAD v4.1: 99 of 1,614,054 alleles (0.0061%); highest among the groups gnomAD compares: Non-Finnish European, 0.0078%; no homozygotes.

Submissions (7):

Women's Health and Genetics/Laboratory Corporation of America, LabCorp
Classification: Likely benign. Last evaluated: 2026-03-25. Review status: criteria provided, single submitter. Criteria: LabCorp Variant Classification Summary - May 2015. Collection method: clinical testing. Allele origin: germline.
Comment: Variant summary: TRPV4 c.1912C>G (p.Pro638Ala) results in a non-conservative amino acid change in the encoded protein sequence. Algorithms developed to predict the effect of missense changes on protein structure and function all suggest that this variant is likely to be disruptive. The variant allele was found at a frequency of 4.4e-05 in 250480 control chromosomes, predominantly at a frequency of 9.7e-05 within the Non-Finnish European subpopulation in the gnomAD database. The observed variant frequency within Non-Finnish European control individuals in the gnomAD database exceeds the estimated maximal expected allele frequency for disease-causing variants in TRPV4. To our knowledge, no occurrence of c.1912C>G in individuals affected with TRPV4-related conditions and no experimental evidence demonstrating its impact on protein function have been reported. ClinVar contains an entry for this variant (Variation ID: 234727). Based on the evidence outlined above, the variant was classified as likely benign.

Labcorp Genetics (formerly Invitae), Labcorp
Classification: Uncertain significance for Charcot-Marie-Tooth disease axonal type 2C. Last evaluated: 2025-12-15. Review status: criteria provided, single submitter. Criteria: Invitae Variant Classification Sherloc (09022015). Collection method: clinical testing. Allele origin: germline.
Comment: This sequence change replaces proline, which is neutral and non-polar, with alanine, which is neutral and non-polar, at codon 638 of the TRPV4 protein (p.Pro638Ala). This variant is present in population databases (rs760044422, gnomAD 0.008%). This variant has not been reported in the literature in individuals affected with TRPV4-related conditions. ClinVar contains an entry for this variant (Variation ID: 234727). Invitae Evidence Modeling of protein sequence and biophysical properties (such as structural, functional, and spatial information, amino acid conservation, physicochemical variation, residue mobility, and thermodynamic stability) has been performed for this missense variant. However, the output from this modeling did not meet the statistical confidence thresholds required to predict the impact of this variant on TRPV4 protein function. In summary, the available evidence is currently insufficient to determine the role of this variant in disease. Therefore, it has been classified as a Variant of Uncertain Significance.

Mayo Clinic Laboratories, Mayo Clinic
Classification: Uncertain significance. Last evaluated: 2023-08-21. Review status: criteria provided, single submitter. Criteria: ACMG Guidelines, 2015. Collection method: clinical testing. Allele origin: germline. Observed: 1 variant allele.

Ambry Genetics
Classification: Likely benign for Inborn genetic diseases. Last evaluated: 2020-01-08. Review status: criteria provided, single submitter. Criteria: Ambry Variant Classification Scheme 2023. Collection method: clinical testing. Allele origin: germline.

CeGaT Center for Human Genetics Tuebingen
Classification: Uncertain significance. Last evaluated: 2016-08-31. Review status: criteria provided, single submitter. Criteria: Praxis fuer Humangenetik Tuebingen - Variant Classification Criteria. Collection method: clinical testing. Allele origin: germline. Affected: yes. Observed: 1 variant allele.

GeneDx
Classification: Uncertain significance. Last evaluated: 2015-12-23. Review status: criteria provided, single submitter. Criteria: GeneDx Variant Classification (06012015). Collection method: clinical testing. Allele origin: germline. Affected: yes.
Comment: The P638A variant in the TRPV4 gene has been reported previously in a study looking for TRPV4 variants in individuals with inherited neuropathies and control individuals; P638A was detected in a control individual (Fawcett et al., 2012). The P638A variant was not observed in approximately 6,500 individuals of European and African American ancestry in the NHLBI Exome Sequencing Project, indicating it is not a common benign variant in these populations. The P638A variant is a semi-conservative amino acid substitution, which may impact secondary protein structure as these residues differ in some properties. This substitution occurs at a position that is conserved in mammals. In silico analysis is inconsistent in its predictions as to whether or not the variant is damaging to the protein structure/function. We interpret P638A as a variant of uncertain significance,

Molecular Genetics Laboratory, London Health Sciences Centre
Classification: Uncertain significance for Charcot-Marie-Tooth disease. Review status: criteria provided, single submitter. Criteria: ACMG Guidelines, 2015. Collection method: clinical testing. Allele origin: germline. Affected: yes.

Literature cited by the submitters: PubMed 22851605 (cited by Mayo Clinic Laboratories, Mayo Clinic).